The following is an entry in ClinVar:

NM_015164.4(PLEKHM2):c.655T>C (p.Tyr219His)

Gene: PLEKHM2 (pleckstrin homology and RUN domain containing M2; plus strand). Cytogenetic location: 1p36.21.
Variant type: single nucleotide variant.
Coding change: c.655T>C on transcript NM_015164.4 (MANE Select); coding-DNA position 655, T replaced by C.
Protein change: p.Tyr219His; replaces tyrosine 219 with histidine.
Molecular consequence: missense variant. On other transcripts: intron variant (1).
Genome position (GRCh38, 1-based): chr1:15,721,331, T>C. VCF-style: chr1-15721331-T-C. GRCh37 (hg19) VCF-style: chr1-16047826-T-C.
Other names: c.652+1411T>C (NM_001410755.1); short protein forms Y219H.
Identifiers: ClinVar variation 2967048 (VCV002967048.3), dbSNP rs372350931, ClinGen allele CA616749.

ClinVar aggregate classification (germline): Uncertain significance (1 of 4 stars; one submission).

Allele frequency attached by ClinVar (database versions not stated): ExAC 0.00007; ESP Exome Variant Server 0.00008.

Submission:

Labcorp Genetics (formerly Invitae), Labcorp
Classification: Uncertain significance. Last evaluated: 2025-07-23. Review status: criteria provided, single submitter. Criteria: Invitae Variant Classification Sherloc (09022015). Collection method: clinical testing. Allele origin: germline.
Comment: This sequence change replaces tyrosine, which is neutral and polar, with histidine, which is basic and polar, at codon 219 of the PLEKHM2 protein (p.Tyr219His). The frequency data for this variant in the population databases is considered unreliable, as metrics indicate poor data quality at this position in the gnomAD database. This variant has not been reported in the literature in individuals affected with PLEKHM2-related conditions. ClinVar contains an entry for this variant (Variation ID: 2967048). An algorithm developed to predict the effect of missense changes on protein structure and function (PolyPhen-2) suggests that this variant is likely to be disruptive. In summary, the available evidence is currently insufficient to determine the role of this variant in disease. Therefore, it has been classified as a Variant of Uncertain Significance.